The following is an entry in ClinVar:

NM_016169.4(SUFU):c.1213G>T (p.Ala405Ser)

Gene: SUFU (SUFU negative regulator of hedgehog signaling; plus strand). Cytogenetic location: 10q24.32.
Variant type: single nucleotide variant.
Coding change: c.1213G>T on transcript NM_016169.4 (MANE Select); coding-DNA position 1213, G replaced by T.
Protein change: p.Ala405Ser; replaces alanine 405 with serine.
Molecular consequence: missense variant.
Genome position (GRCh38, 1-based): chr10:102,617,345, G>T. VCF-style: chr10-102617345-G-T. GRCh37 (hg19) VCF-style: chr10-104377102-G-T.
Other names: c.1213G>T, p.Ala405Ser (NM_001178133.2); short protein forms A405S.
Identifiers: ClinVar variation 5030419 (VCV005030419.1).
Genomic context (GRCh38, chr10:102,617,345, plus strand): 5'-TCCAGGGGCAGGCTCCTGCATGGACGGCACTTTACATATAAAAGTATCACAGGTGACATG[G>T]CCATCACGTTTGTCTCCACGGGAGTGGAAGGCGCCTTTGCCACTGAGGAGCATCCTTACG-3'
Protein context (NP_057253.2, residues 395-415): FTYKSITGDM[Ala405Ser]ITFVSTGVEG

ClinVar aggregate classification (germline): Uncertain significance (1 of 4 stars; one submission).

Conditions:
Hereditary cancer-predisposing syndrome. Also called: Neoplastic Syndromes, Hereditary; Tumor predisposition; Hereditary neoplastic syndrome; Hereditary Cancer Syndrome. Identifiers: Orphanet 140162, MedGen C0027672, MeSH D009386, MONDO:0015356.

Submission:

Ambry Genetics
Classification: Uncertain significance for Hereditary cancer-predisposing syndrome. Last evaluated: 2026-07-07. Review status: criteria provided, single submitter. Criteria: Ambry Variant Classification Scheme 2023. Collection method: clinical testing. Allele origin: germline.
Comment: The p.A405S variant (also known as c.1213G>T), located in coding exon 10 of the SUFU gene, results from a G to T substitution at nucleotide position 1213. The alanine at codon 405 is replaced by serine, an amino acid with similar properties. This amino acid position is conserved. In addition, the in silico prediction for this alteration is inconclusive. Based on the available evidence, the clinical significance of this variant remains unclear.